The following is an entry in ClinVar:

ClinVar aggregate classification (germline): Uncertain significance. Review status: criteria provided, multiple submitters, no conflicts (2 of 4 stars). 2 submissions from 2 submitters: Uncertain significance (2). Last evaluated 2023-06-14.

Conditions:
Hereditary cancer-predisposing syndrome. Also called: Hereditary Cancer Syndrome; Hereditary neoplastic syndrome; Tumor predisposition; Neoplastic Syndromes, Hereditary. Identifiers: Orphanet 140162, MedGen C0027672, MeSH D009386, MONDO:0015356.
Familial adenomatous polyposis 1 (FAP1). Also called: FAMILIAL ADENOMATOUS POLYPOSIS 1, ATTENUATED; POLYPOSIS, ADENOMATOUS INTESTINAL. Identifiers: MedGen C2713442, MONDO:0021056, OMIM 175100. Disease mechanism: loss of function.

Submissions (2):

Labcorp Genetics (formerly Invitae), Labcorp
Classification: Uncertain significance for Familial adenomatous polyposis 1. Last evaluated: 2023-06-14. Review status: criteria provided, single submitter. Criteria: Invitae Variant Classification Sherloc (09022015). Collection method: clinical testing. Allele origin: germline.
Comment: ClinVar contains an entry for this variant (Variation ID: 1789738). In summary, the available evidence is currently insufficient to determine the role of this variant in disease. Therefore, it has been classified as a Variant of Uncertain Significance. Advanced modeling of protein sequence and biophysical properties (such as structural, functional, and spatial information, amino acid conservation, physicochemical variation, residue mobility, and thermodynamic stability) performed at Invitae indicates that this missense variant is not expected to disrupt APC protein function. This variant has not been reported in the literature in individuals affected with APC-related conditions. This variant is not present in population databases (gnomAD no frequency). This sequence change replaces asparagine, which is neutral and polar, with aspartic acid, which is acidic and polar, at codon 778 of the APC protein (p.Asn778Asp).

Ambry Genetics
Classification: Uncertain significance for Hereditary cancer-predisposing syndrome. Last evaluated: 2020-12-15. Review status: criteria provided, single submitter. Criteria: Ambry Variant Classification Scheme 2023. Collection method: clinical testing. Allele origin: germline.
Comment: The p.N778D variant (also known as c.2332A>G), located in coding exon 15 of the APC gene, results from an A to G substitution at nucleotide position 2332. The asparagine at codon 778 is replaced by aspartic acid, an amino acid with highly similar properties. This amino acid position is highly conserved in available vertebrate species. In addition, in silico predictors for this gene do not accurately predict pathogenicity. Since supporting evidence is limited at this time, the clinical significance of this alteration remains unclear.

NM_000038.6(APC):c.2332A>G (p.Asn778Asp)

Gene: APC (APC regulator of Wnt signaling pathway; plus strand). Cytogenetic location: 5q22.2.
Variant type: single nucleotide variant.
Coding change: c.2332A>G on transcript NM_000038.6 (MANE Select); coding-DNA position 2332, A replaced by G.
Protein change: p.Asn778Asp; replaces asparagine 778 with aspartic acid.
Molecular consequence: missense variant.
Genome position (GRCh38, 1-based): chr5:112,837,926, A>G. VCF-style: chr5-112837926-A-G. GRCh37 (hg19) VCF-style: chr5-112173623-A-G.
Other names: c.2083A>G, p.Asn695Asp (NM_001407457.1, NM_001407454.1, NM_001407455.1 and 1 more transcripts); c.2029A>G, p.Asn677Asp (NM_001407458.1, NM_001407459.1, NM_001407460.1 and 1 more transcripts); c.1945A>G, p.Asn649Asp (NM_001407467.1, NM_001407469.1); c.1483A>G, p.Asn495Asp (NM_001407470.1, NM_001354906.2); c.1180A>G, p.Asn394Asp (NM_001407471.1, NM_001407472.1); c.2332A>G, p.Asn778Asp (NM_001127510.3, NM_001354895.2, NM_001407450.1); c.2278A>G, p.Asn760Asp (NM_001127511.3); c.2386A>G, p.Asn796Asp (NM_001354896.2, NM_001407447.1, NM_001407448.1 and 1 more transcripts); and 11 more; short protein forms N394D, N649D, N737D, N778D, N796D, N806D, N652D, N677D.
Identifiers: ClinVar variation 1789738 (VCV001789738.5), dbSNP rs2149866591, ClinGen allele CA16026449.
Genomic context (GRCh38, chr5:112,837,926, plus strand): 5'-AAAGCCCTAGAAGCAGAATTAGATGCTCAGCACTTATCAGAAACTTTTGACAATATAGAC[A>G]ATTTAAGTCCCAAGGCATCTCATCGTAGTAAGCAGAGACACAAGCAAAGTCTCTATGGTG-3'
Protein context (NP_000029.2, residues 768-788): HLSETFDNID[Asn778Asp]LSPKASHRSK